The following is an entry in ClinVar:

NM_213599.3(ANO5):c.762+6T>G

Gene: ANO5 (anoctamin 5; plus strand). Cytogenetic location: 11p14.3.
Variant type: single nucleotide variant.
Coding change: c.762+6T>G on transcript NM_213599.3 (MANE Select); 6 bases into the intron after coding-DNA position 762, T replaced by G.
Molecular consequence: intron variant.
Genome position (GRCh38, 1-based): chr11:22,236,282, T>G. VCF-style: chr11-22236282-T-G. GRCh37 (hg19) VCF-style: chr11-22257828-T-G.
Other names: c.759+6T>G (NM_001142649.2).
Identifiers: ClinVar variation 2160433 (VCV002160433.4), dbSNP rs1853217478, ClinGen allele CA1957407897.

ClinVar aggregate classification (germline): Uncertain significance (1 of 4 stars; one submission).

Conditions:
Gnathodiaphyseal dysplasia (GDD). Also called: GNATHODIAPHYSEAL SCLEROSIS; OSTEOGENESIS IMPERFECTA WITH UNUSUAL SKELETAL LESIONS. Identifiers: Orphanet 53697, MedGen C1833736, MONDO:0008151, OMIM 166260.
Autosomal recessive limb-girdle muscular dystrophy type 2L (LGMDR12). Also called: Limb-Girdle Muscular Dystrophy R12 Anoctamin-5-Related (LGMD-R12); Limb-girdle muscular dystrophy, type 2L; MUSCULAR DYSTROPHY, LIMB-GIRDLE, AUTOSOMAL RECESSIVE 12. Identifiers: Orphanet 206549, MedGen C1969785, MONDO:0012652, OMIM 611307.

Allele frequency attached by ClinVar (database versions not stated): TOPMed below 0.00001.
gnomAD v4.1: 2 of 1,593,198 alleles (0.00013%); no homozygotes.

Submission:

Labcorp Genetics (formerly Invitae), Labcorp
Classification: Uncertain significance for Autosomal recessive limb-girdle muscular dystrophy type 2L; Gnathodiaphyseal dysplasia. Last evaluated: 2022-04-08. Review status: criteria provided, single submitter. Criteria: Invitae Variant Classification Sherloc (09022015). Collection method: clinical testing. Allele origin: germline.
Comment: This variant has not been reported in the literature in individuals affected with ANO5-related conditions. Variants that disrupt the consensus splice site are a relatively common cause of aberrant splicing (PMID: 17576681, 9536098). Algorithms developed to predict the effect of sequence changes on RNA splicing suggest that this variant may disrupt the consensus splice site. In summary, the available evidence is currently insufficient to determine the role of this variant in disease. Therefore, it has been classified as a Variant of Uncertain Significance. This variant is not present in population databases (gnomAD no frequency). This sequence change falls in intron 8 of the ANO5 gene. It does not directly change the encoded amino acid sequence of the ANO5 protein. It affects a nucleotide within the consensus splice site.

Literature cited by the submitters: PubMed 17576681; PubMed 9536098.